The following is an entry in ClinVar:

ClinVar aggregate classification (germline): Uncertain significance (1 of 4 stars; one submission).

Conditions:
Combined oxidative phosphorylation defect type 13. Also called: Combined oxidative phosphorylation deficiency 13. Identifiers: Orphanet 319514, MedGen C4706283, MONDO:0013977, OMIM 614932.
Autosomal recessive nonsyndromic hearing loss 70. Also called: Deafness, autosomal recessive 70. Identifiers: Orphanet 90636, MedGen C1824925, MONDO:0013978, OMIM 614934.

Submission:

Diagnostics Services (NGS), CSIR - Centre For Cellular And Molecular Biology
Classification: Uncertain significance for Autosomal recessive nonsyndromic hearing loss 70; Combined oxidative phosphorylation defect type 13. Last evaluated: 2025-01-17. Review status: criteria provided, single submitter. Criteria: ACMG Guidelines, 2015. Collection method: clinical testing. Allele origin: unknown. Observed: 1 variant allele, 1 homozygote.
Comment: The c.548C>T variant is not present in publicly available population databases like 1000 Genomes, gnomAD, EVS, ExAC, Indian Exome Database or our in-house exome database. This variant has neither been published in literature in individuals affected with PNPT1-related conditions nor reported to the clinical databases like Human Genome Mutation Database (HGMD), ClinVar or OMIM in any affected individuals. In-silico pathogenicity prediction programs like SIFT, Polyphen-2, MutationTaster2, CADD etc predicted this variant to be likely deleterious however these predictions were not confirmed by published functional studies.

NM_033109.5(PNPT1):c.548C>T (p.Pro183Leu)

Gene: PNPT1 (polyribonucleotide nucleotidyltransferase 1; minus strand). Cytogenetic location: 2p16.1.
Variant type: single nucleotide variant.
Coding change: c.548C>T on transcript NM_033109.5 (MANE Select); coding-DNA position 548, C replaced by T.
Protein change: p.Pro183Leu; replaces proline 183 with leucine.
Molecular consequence: missense variant.
Genome position (GRCh38, 1-based): chr2:55,680,729, G>A on the plus strand (C>T on the coding strand, the complement: PNPT1 is on the minus strand). VCF-style: chr2-55680729-G-A. GRCh37 (hg19) VCF-style: chr2-55907864-G-A.
Other names: short protein forms P183L.
Identifiers: ClinVar variation 3767958 (VCV003767958.1).